The following is an entry in ClinVar:

NM_003467.3(CXCR4):c.350C>G (p.Thr117Arg)

Gene: CXCR4 (C-X-C motif chemokine receptor 4; minus strand). Cytogenetic location: 2q22.1.
Variant type: single nucleotide variant.
Coding change: c.350C>G on transcript NM_003467.3 (MANE Select); coding-DNA position 350, C replaced by G.
Protein change: p.Thr117Arg; replaces threonine 117 with arginine.
Molecular consequence: missense variant.
Genome position (GRCh38, 1-based): chr2:136,115,578, G>C on the plus strand (C>G on the coding strand, the complement: CXCR4 is on the minus strand). VCF-style: chr2-136115578-G-C. GRCh37 (hg19) VCF-style: chr2-136873148-G-C.
Other names: c.362C>G, p.Thr121Arg (NM_001008540.2); c.563C>G, p.Thr188Arg (NM_001348056.2); c.449C>G, p.Thr150Arg (NM_001348059.2); c.305C>G, p.Thr102Arg (NM_001348060.2); short protein forms T102R, T117R, T121R, T150R, T188R.
Identifiers: ClinVar variation 4809808 (VCV004809808.1).

ClinVar aggregate classification (germline): Uncertain significance (1 of 4 stars; one submission).

Conditions:
Warts, hypogammaglobulinemia, infections, and myelokathexis. Also called: WHIM syndrome. Identifiers: MedGen C0472817, MONDO:0023880.

gnomAD v4.1: 9 of 1,614,188 alleles (0.00056%); highest among the groups gnomAD compares: Non-Finnish European, 0.00076%; no homozygotes.

Submission:

Labcorp Genetics (formerly Invitae), Labcorp
Classification: Uncertain significance for Warts, hypogammaglobulinemia, infections, and myelokathexis. Last evaluated: 2025-09-07. Review status: criteria provided, single submitter. Criteria: Invitae Variant Classification Sherloc (09022015). Collection method: clinical testing. Allele origin: germline.
Comment: This sequence change replaces threonine, which is neutral and polar, with arginine, which is basic and polar, at codon 117 of the CXCR4 protein (p.Thr117Arg). This variant is present in population databases (no rsID available, gnomAD 0.0009%). This variant has not been reported in the literature in individuals affected with CXCR4-related conditions. An algorithm developed to predict the effect of missense changes on protein structure and function (PolyPhen-2) suggests that this variant is likely to be disruptive. In summary, the available evidence is currently insufficient to determine the role of this variant in disease. Therefore, it has been classified as a Variant of Uncertain Significance.